The following is an entry in ClinVar:

NM_004859.4(CLTC):c.3170A>G (p.Asn1057Ser)

Gene: CLTC (clathrin heavy chain; plus strand). Cytogenetic location: 17q23.1.
Variant type: single nucleotide variant.
Coding change: c.3170A>G on transcript NM_004859.4 (MANE Select); coding-DNA position 3170, A replaced by G.
Protein change: p.Asn1057Ser; replaces asparagine 1057 with serine.
Molecular consequence: missense variant.
Genome position (GRCh38, 1-based): chr17:59,681,399, A>G. VCF-style: chr17-59681399-A-G. GRCh37 (hg19) VCF-style: chr17-57758760-A-G.
Other names: c.3182A>G, p.Asn1061Ser (NM_001288653.2); short protein forms N1057S, N1061S.
Identifiers: ClinVar variation 1485822 (VCV001485822.7), dbSNP rs372461487, ClinGen allele CA8681540.

ClinVar aggregate classification (germline): Uncertain significance. Review status: criteria provided, multiple submitters, no conflicts (2 of 4 stars). 2 submissions from 2 submitters: Uncertain significance (2). Last evaluated 2026-02-03.

Allele frequency attached by ClinVar (database versions not stated): TOPMed below 0.00001; ExAC 0.00001; gnomAD 0.00001; ESP Exome Variant Server 0.00008; gnomAD exomes below 0.00001.
gnomAD v4.1: 8 of 1,614,016 alleles (0.0005%); highest among the groups gnomAD compares: Non-Finnish European, 0.00051%; no homozygotes.

Submissions (2):

Women's Health and Genetics/Laboratory Corporation of America, LabCorp
Classification: Uncertain significance. Last evaluated: 2026-02-03. Review status: criteria provided, single submitter. Criteria: LabCorp Variant Classification Summary - May 2015. Collection method: clinical testing. Allele origin: germline.
Comment: Variant summary: CLTC c.3170A>G (p.Asn1057Ser) results in a conservative amino acid change in the encoded protein sequence. Algorithms developed to predict the effect of missense changes on protein structure and function are either unavailable or do not agree on the potential impact of this missense change. The variant allele was found at a frequency of 4e-06 in 250946 control chromosomes. The available data on variant occurrences in the general population are insufficient to allow any conclusion about variant significance. To our knowledge, no occurrence of c.3170A>G in individuals affected with CLTC-related conditions and no experimental evidence demonstrating its impact on protein function have been reported. ClinVar contains an entry for this variant (Variation ID: 1485822). Based on the evidence outlined above, the variant was classified as uncertain significance.

Labcorp Genetics (formerly Invitae), Labcorp
Classification: Uncertain significance. Last evaluated: 2025-07-30. Review status: criteria provided, single submitter. Criteria: Invitae Variant Classification Sherloc (09022015). Collection method: clinical testing. Allele origin: germline.
Comment: This sequence change replaces asparagine, which is neutral and polar, with serine, which is neutral and polar, at codon 1061 of the CLTC protein (p.Asn1061Ser). This variant is present in population databases (rs372461487, gnomAD 0.0009%). This variant has not been reported in the literature in individuals affected with CLTC-related conditions. ClinVar contains an entry for this variant (Variation ID: 1485822). Experimental studies and prediction algorithms are not available or were not evaluated, and the functional significance of this variant is currently unknown. In summary, the available evidence is currently insufficient to determine the role of this variant in disease. Therefore, it has been classified as a Variant of Uncertain Significance.